The following is an entry in ClinVar:

ClinVar aggregate classification (germline): Uncertain significance (1 of 4 stars; one submission).

gnomAD v4.1: 4 of 1,613,790 alleles (0.00025%); highest among the groups gnomAD compares: Non-Finnish European, 0.00025%; no homozygotes.

Submission:

Labcorp Genetics (formerly Invitae), Labcorp
Classification: Uncertain significance. Last evaluated: 2026-02-02. Review status: criteria provided, single submitter. Criteria: Invitae Variant Classification Sherloc (09022015). Collection method: clinical testing. Allele origin: germline.
Comment: This sequence change affects codon 1515 of the ABCC8 mRNA. It is a 'silent' change, meaning that it does not change the encoded amino acid sequence of the ABCC8 protein. This variant also falls at the last nucleotide of exon 37, which is part of the consensus splice site for this exon. This variant is present in population databases (rs372388771, gnomAD 0.0009%). This variant has not been reported in the literature in individuals affected with ABCC8-related conditions. ClinVar contains an entry for this variant (Variation ID: 3624332). Variants that disrupt the consensus splice site are a relatively common cause of aberrant splicing (PMID: 17576681, 9536098). Algorithms developed to predict the effect of sequence changes on RNA splicing suggest that this variant may disrupt the consensus splice site. In summary, the available evidence is currently insufficient to determine the role of this variant in disease. Therefore, it has been classified as a Variant of Uncertain Significance.

Literature cited by the submitters: PubMed 17576681; PubMed 9536098.

NM_000352.6(ABCC8):c.4545G>T (p.Thr1515=)

Gene: ABCC8 (ATP binding cassette subfamily C member 8; minus strand). Cytogenetic location: 11p15.1.
Variant type: single nucleotide variant.
Coding change: c.4545G>T on transcript NM_000352.6 (MANE Select); coding-DNA position 4545, G replaced by T.
Protein change: p.Thr1515=; no amino-acid change (threonine 1515 retained).
Molecular consequence: synonymous variant. On other transcripts: non-coding transcript variant (1).
Genome position (GRCh38, 1-based): chr11:17,394,266, C>A on the plus strand (G>T on the coding strand, the complement: ABCC8 is on the minus strand). VCF-style: chr11-17394266-C-A. GRCh37 (hg19) VCF-style: chr11-17415813-C-A.
Other names: c.4542G>T, p.Thr1514= (NM_001351297.2); c.4545G>T, p.Thr1515= (NM_001351296.2); c.4548G>T, p.Thr1516= (NM_001287174.3); c.4611G>T, p.Thr1537= (NM_001351295.2).
Identifiers: ClinVar variation 3624332 (VCV003624332.2).